The following is an entry in ClinVar:

ClinVar aggregate classification (germline): Uncertain significance. Review status: criteria provided, multiple submitters, no conflicts (2 of 4 stars). 3 submissions from 3 submitters: Uncertain significance (3). Last evaluated 2026-02-14.

Conditions:
Peroxisome biogenesis disorder. Identifiers: Orphanet 79189, MedGen C1832200, MONDO:0019234. Disease mechanism: loss of function.

Allele frequency attached by ClinVar (database versions not stated): gnomAD exomes 0.00001.
gnomAD v4.1: 5 of 1,614,164 alleles (0.00031%); highest among the groups gnomAD compares: Admixed American, 0.0033%; no homozygotes.

Submissions (3):

Women's Health and Genetics/Laboratory Corporation of America, LabCorp
Classification: Uncertain significance. Last evaluated: 2026-02-14. Review status: criteria provided, single submitter. Criteria: LabCorp Variant Classification Summary - May 2015. Collection method: clinical testing. Allele origin: germline.

Labcorp Genetics (formerly Invitae), Labcorp
Classification: Uncertain significance for Peroxisome biogenesis disorder. Last evaluated: 2024-10-25. Review status: criteria provided, single submitter. Criteria: Invitae Variant Classification Sherloc (09022015). Collection method: clinical testing. Allele origin: germline.
Comment: This sequence change falls in intron 10 of the PEX6 gene. It does not directly change the encoded amino acid sequence of the PEX6 protein. It affects a nucleotide within the consensus splice site. This variant is present in population databases (no rsID available, gnomAD 0.006%). This variant has not been reported in the literature in individuals affected with PEX6-related conditions. ClinVar contains an entry for this variant (Variation ID: 596667). Variants that disrupt the consensus splice site are a relatively common cause of aberrant splicing (PMID: 17576681, 9536098). Algorithms developed to predict the effect of sequence changes on RNA splicing suggest that this variant is not likely to affect RNA splicing. In summary, the available evidence is currently insufficient to determine the role of this variant in disease. Therefore, it has been classified as a Variant of Uncertain Significance.

Eurofins Ntd Llc (ga)
Classification: Uncertain significance. Last evaluated: 2018-04-06. Review status: criteria provided, single submitter. Criteria: EGL ClinVar v180209 classification definitions. Collection method: clinical testing. Allele origin: germline. Observed: 1 variant allele, 1 heterozygote.

Literature cited by the submitters: PubMed 17576681 (cited by Labcorp Genetics (formerly Invitae), Labcorp); PubMed 9536098 (cited by Labcorp Genetics (formerly Invitae), Labcorp).

NM_000287.4(PEX6):c.2094+6G>A

Gene: PEX6 (peroxisomal biogenesis factor 6; minus strand). Cytogenetic location: 6p21.1.
Variant type: single nucleotide variant.
Coding change: c.2094+6G>A on transcript NM_000287.4 (MANE Select); 6 bases into the intron after coding-DNA position 2094, G replaced by A.
Molecular consequence: intron variant. On other transcripts: non-coding transcript variant (1).
Genome position (GRCh38, 1-based): chr6:42,966,519, C>T on the plus strand (G>A on the coding strand, the complement: PEX6 is on the minus strand). VCF-style: chr6-42966519-C-T. GRCh37 (hg19) VCF-style: chr6-42934257-C-T.
Other names: c.1830+6G>A (NM_001316313.2).
Identifiers: ClinVar variation 596667 (VCV000596667.10), dbSNP rs1009420665, ClinGen allele CA138223397.